The following is an entry in ClinVar:

ClinVar aggregate classification (germline): Uncertain significance (1 of 4 stars; one submission).

gnomAD v4.1: 10 of 1,613,642 alleles (0.00062%); highest among the groups gnomAD compares: East Asian, 0.0022%; no homozygotes.

Submission:

GeneDx
Classification: Uncertain significance. Last evaluated: 2024-07-16. Review status: criteria provided, single submitter. Criteria: GeneDx Variant Classification Process June 2021. Collection method: clinical testing. Allele origin: germline. Affected: yes.
Comment: Not observed at significant frequency in large population cohorts (gnomAD); In silico analysis supports a deleterious effect on splicing; Has not been previously published as pathogenic or benign to our knowledge

NM_005548.3(KARS1):c.63-4A>G

Gene: KARS1 (lysyl-tRNA synthetase 1; minus strand). Cytogenetic location: 16q23.1.
Variant type: single nucleotide variant.
Coding change: c.63-4A>G on transcript NM_005548.3 (MANE Select); 4 bases into the intron before coding-DNA position 63, A replaced by G.
Molecular consequence: intron variant.
Genome position (GRCh38, 1-based): chr16:75,641,727, T>C on the plus strand (A>G on the coding strand, the complement: KARS1 is on the minus strand). VCF-style: chr16-75641727-T-C. GRCh37 (hg19) VCF-style: chr16-75675625-T-C.
Other names: c.147-4A>G (NM_001130089.2); c.-406-4A>G (NM_001378148.1).
Identifiers: ClinVar variation 3573749 (VCV003573749.1).